The following is an entry in ClinVar:

NM_000235.4(LIPA):c.185G>T (p.Cys62Phe)

Gene: LIPA (lipase A, lysosomal acid type; minus strand). Cytogenetic location: 10q23.31.
Variant type: single nucleotide variant.
Coding change: c.185G>T on transcript NM_000235.4 (MANE Select); coding-DNA position 185, G replaced by T.
Protein change: p.Cys62Phe; replaces cysteine 62 with phenylalanine.
Molecular consequence: missense variant. On other transcripts: intron variant (1).
Genome position (GRCh38, 1-based): chr10:89,245,720, C>A on the plus strand (G>T on the coding strand, the complement: LIPA is on the minus strand). VCF-style: chr10-89245720-C-A. GRCh37 (hg19) VCF-style: chr10-91005477-C-A.
Other names: c.185G>T, p.Cys62Phe (NM_001127605.3); c.-120+6017G>T (NM_001288979.2); short protein forms C62F.
Identifiers: ClinVar variation 2184167 (VCV002184167.4), dbSNP rs2495640972, ClinGen allele CA377518268.

ClinVar aggregate classification (germline): Uncertain significance (1 of 4 stars; one submission).

Conditions:
Wolman disease (WOLD). Also called: Acid cholesteryl ester hydrolase deficiency, Wolman type; Acid lipase disease; Wolman disease, CESD; Wolman disease with hypolipoproteinemia and acanthocytosis; LYSOSOMAL ACID LIPASE DEFICIENCY, ACUTE INFANTILE; LYSOSOMAL ACID LIPASE DEFICIENCY, COMPLETE. Identifiers: Orphanet 75233, MedGen C0043208, MONDO:0019148, OMIM 620151.

Submission:

Labcorp Genetics (formerly Invitae), Labcorp
Classification: Uncertain significance for Wolman disease. Last evaluated: 2022-10-17. Review status: criteria provided, single submitter. Criteria: Invitae Variant Classification Sherloc (09022015). Collection method: clinical testing. Allele origin: germline.
Comment: This sequence change replaces cysteine, which is neutral and slightly polar, with phenylalanine, which is neutral and non-polar, at codon 62 of the LIPA protein (p.Cys62Phe). This variant is not present in population databases (gnomAD no frequency). This variant has not been reported in the literature in individuals affected with LIPA-related conditions. Advanced modeling of protein sequence and biophysical properties (such as structural, functional, and spatial information, amino acid conservation, physicochemical variation, residue mobility, and thermodynamic stability) performed at Invitae indicates that this missense variant is not expected to disrupt LIPA protein function. In summary, the available evidence is currently insufficient to determine the role of this variant in disease. Therefore, it has been classified as a Variant of Uncertain Significance.